The following is an entry in ClinVar:

ClinVar aggregate classification (germline): other (0 of 4 stars; one submission).

Conditions:
Familial colorectal cancer. Identifiers: MedGen CN280943, MONDO:0023113. Disease mechanism: loss of function.

Submission:

Systems Biology Platform Zhejiang California International NanoSystems Institute
Classification: other for Familial colorectal cancer. Review status: no assertion criteria provided. Collection method: not provided. Allele origin: unknown.
ClinVar note: Converted during submission from cancer to other.

NM_000038.6(APC):c.136-808G>T

Gene: APC (APC regulator of WNT signaling pathway; plus strand). Cytogenetic location: 5q22.2.
Variant type: single nucleotide variant.
Coding change: c.136-808G>T on transcript NM_000038.6 (MANE Select); 808 bases into the intron before coding-DNA position 136, G replaced by T.
Molecular consequence: intron variant.
Genome position (GRCh38, 1-based): chr5:112,765,518, G>T. VCF-style: chr5-112765518-G-T. GRCh37 (hg19) VCF-style: chr5-112101215-G-T.
Other names: c.136-808G>T (NM_001354895.2, NM_001127510.3, NM_001354896.2 and 2 more transcripts); c.166-808G>T (NM_001354897.2, NM_001354902.2, NM_001127511.3); c.61-808G>T (NM_001354898.2, NM_001354904.2); c.-900-808G>T (NM_001354906.2); c.-42-808G>T (NM_001354900.2, NM_001354901.2, NM_001354905.2).
Identifiers: ClinVar variation 82867 (VCV000082867.2), dbSNP rs79249699, ClinGen allele CA004859.
Genomic context (GRCh38, chr5:112,765,518, plus strand): 5'-AGTCACTCACTTTTTGACAGGTTTTCCTTTTAATGTATTTACAGATTACTTTTCTTATAG[G>T]GGAACGTTCCATTTAGTTACAAAGTTGCAAATGTTCAAATATTTTGTCTTGCATTCAGGA-3'